The following is an entry in ClinVar:

ClinVar aggregate classification (germline): Uncertain significance (1 of 4 stars; one submission).

gnomAD v4.1: 1 of 1,614,216 alleles (0.000062%); no homozygotes.

Submission:

Labcorp Genetics (formerly Invitae), Labcorp
Classification: Uncertain significance. Last evaluated: 2020-11-23. Review status: criteria provided, single submitter. Criteria: Invitae Variant Classification Sherloc (09022015). Collection method: clinical testing. Allele origin: germline.
Comment: In summary, the available evidence is currently insufficient to determine the role of this variant in disease. Therefore, it has been classified as a Variant of Uncertain Significance. Algorithms developed to predict the effect of missense changes on protein structure and function are either unavailable or do not agree on the potential impact of this missense change (SIFT: "Not Available"; PolyPhen-2: "Benign"; Align-GVGD: "Not Available"). This variant has not been reported in the literature in individuals with LCT-related conditions. This variant is not present in population databases (ExAC no frequency). This sequence change replaces histidine with glutamine at codon 589 of the LCT protein (p.His589Gln). The histidine residue is weakly conserved and there is a small physicochemical difference between histidine and glutamine.

NM_002299.4(LCT):c.1767T>A (p.His589Gln)

Gene: LCT (lactase; minus strand). Cytogenetic location: 2q21.3.
Variant type: single nucleotide variant.
Coding change: c.1767T>A on transcript NM_002299.4 (MANE Select); coding-DNA position 1767, T replaced by A.
Protein change: p.His589Gln; replaces histidine 589 with glutamine.
Molecular consequence: missense variant.
Genome position (GRCh38, 1-based): chr2:135,812,897, A>T on the plus strand (T>A on the coding strand, the complement: LCT is on the minus strand). VCF-style: chr2-135812897-A-T. GRCh37 (hg19) VCF-style: chr2-136570467-A-T.
Other names: short protein forms H589Q.
Identifiers: ClinVar variation 1346556 (VCV001346556.6), dbSNP rs1575341229, ClinGen allele CA348605420.
Genomic context (GRCh38, chr2:135,812,897, plus strand): 5'-CAGGGGTTCTGCCCAGTCTGAGTTCAGCACAATGCCCACGTGCCCCTGCTGCTGTGGGCG[A>T]TGATGGCTGTTGTAGTGGTGCCAAGTTCTGGCATGAGCCTTGAGGACCAAGTGAGCCACC-3'
Protein context (NP_002290.2, residues 579-599): ARTWHHYNSH[His589Gln]RPQQQGHVGI